The following is an entry in ClinVar:

ClinVar aggregate classification (germline): Pathogenic. Review status: criteria provided, multiple submitters, no conflicts (2 of 4 stars). 5 submissions from 5 submitters: Pathogenic (5). Last evaluated 2025-09-08.

Conditions:
HNF1B-related disorder. Also called: HNF1B-related disorders; HNF1B-related condition.
Renal cysts and diabetes syndrome (RCAD). Also called: Familial hypoplastic, glomerulocystic kidney; MATURITY-ONSET DIABETES OF THE YOUNG, TYPE 5. Identifiers: Orphanet 93111, MedGen C0431693, MONDO:0007669, OMIM 137920.

Submissions (5):

GeneDx
Classification: Pathogenic. Last evaluated: 2025-09-08. Review status: criteria provided, single submitter. Criteria: GeneDx Variant Classification Process June 2021. Collection method: clinical testing. Allele origin: germline. Affected: yes.
Comment: Observed in several unrelated patients with HNF1B-related clinical features referred for genetic testing at GeneDx and in published literature (PMID: 31447099); Frameshift variant predicted to result in protein truncation or nonsense mediated decay in a gene for which loss of function is a known mechanism of disease; Not observed at significant frequency in large population cohorts (gnomAD); This variant is associated with the following publications: (PMID: 32488808, 31447099)

Department of Pediatric Nephrology, Wuhan Children's Hospital
Classification: Pathogenic for Renal cysts and diabetes syndrome. Last evaluated: 2025-07-23. Review status: criteria provided, single submitter. Criteria: ACMG Guidelines, 2015. Collection method: clinical testing. Allele origin: maternal. Affected: yes.

Labcorp Genetics (formerly Invitae), Labcorp
Classification: Pathogenic. Last evaluated: 2025-02-27. Review status: criteria provided, single submitter. Criteria: Invitae Variant Classification Sherloc (09022015). Collection method: clinical testing. Allele origin: germline.
Comment: This sequence change creates a premature translational stop signal (p.His336Thrfs*40) in the HNF1B gene. It is expected to result in an absent or disrupted protein product. Loss-of-function variants in HNF1B are known to be pathogenic (PMID: 9398836, 12148114, 15068978, 20378641). This variant is not present in population databases (gnomAD no frequency). This variant has not been reported in the literature in individuals affected with HNF1B-related conditions. ClinVar contains an entry for this variant (Variation ID: 635616). For these reasons, this variant has been classified as Pathogenic.

Blueprint Genetics
Classification: Pathogenic for HNF1B-related disorders. Last evaluated: 2024-04-10. Review status: criteria provided, single submitter. Criteria: ACMG Guidelines, 2015. Collection method: clinical testing. Allele origin: germline. Affected: yes. Observed: 2 variant alleles.

Institute of Human Genetics, FAU Erlangen, Friedrich-Alexander-Universität Erlangen-Nürnberg
Classification: Pathogenic for Renal cysts and diabetes syndrome. Last evaluated: 2019-07-06. Review status: criteria provided, single submitter. Criteria: ACMG Guidelines, 2015. Collection method: literature only. Allele origin: germline. Affected: yes.
Comment: This variant and it's classification has been reported by Vasileiou et al. 2019; DOI:10.1101/576918. The variants has previously been reported in LOVD:#0000346453 as "HNF1B:NM_000458.3:c.1006del (His336fs)" with clinical significance Pathogenic. It has been re-classified using InterVar and manual curation as Pathogenic based on PVS1 PM2 PP3.

Literature cited by the submitters: PubMed 9398836 (cited by Labcorp Genetics (formerly Invitae), Labcorp); PubMed 12148114 (cited by Labcorp Genetics (formerly Invitae), Labcorp); PubMed 15068978 (cited by Labcorp Genetics (formerly Invitae), Labcorp); PubMed 20378641 (cited by Labcorp Genetics (formerly Invitae), Labcorp); DOI 10.1101/576918 (cited by Institute of Human Genetics, FAU Erlangen, Friedrich-Alexander-Universität Erlangen-Nürnberg).

NM_000458.4(HNF1B):c.1006del (p.His336fs)

Gene: HNF1B (HNF1 homeobox B; minus strand). Cytogenetic location: 17q12.
Variant type: Deletion.
Coding change: c.1006del on transcript NM_000458.4 (MANE Select); coding-DNA position 1006, one base deleted (C; older notation c.1006delC).
Protein change: p.His336fs; shifts the reading frame from histidine 336.
Molecular consequence: frameshift variant.
Genome position (GRCh38, 1-based): chr17:37,731,634, G deleted on the plus strand (C on the coding strand, the reverse complement: HNF1B is on the minus strand); the first of 6 consecutive G bases (chr17:37,731,634-37,731,639); deleting any one gives the same sequence. VCF-style (leftmost placement, unchanged base first): chr17-37731633-TG-T. GRCh37 (hg19) VCF-style: chr17-36091624-TG-T.
Other names: p.H336Tfs*40; c.928del, p.His310fs (NM_001165923.4, NM_001304286.2); c.1006delC (NM_000458.2); short protein forms H336fs, H310fs.
Identifiers: ClinVar variation 635616 (VCV000635616.12), dbSNP rs1598840795, ClinGen allele CA913190766.
Genomic context (GRCh38, chr17:37,731,633, plus strand): 5'-GTGAGGCCCAACCTTTGCTTACCTGACAGCTTGTTTGGAGGAGAGGAGCTGGGCTGGTGG[TG>T]GGGGGAGCCGTGGGAGAGCAGAGGGTTCAGGCTGTGAGTCTGGTTGGAGCTATAGGCGTC-3'